The following is an entry in ClinVar:

NC_000003.11:g.(?_148868376)_(148871445_?)del

Gene: HPS3 (HPS3 biogenesis of lysosomal organelles complex 2 subunit 1; plus strand). Cytogenetic location: 3q24.
Variant type: Deletion.
Identifiers: ClinVar variation 2427032 (VCV002427032.4).

ClinVar aggregate classification (germline): Pathogenic (1 of 4 stars; one submission).

Submission:

Labcorp Genetics (formerly Invitae), Labcorp
Classification: Pathogenic. Last evaluated: 2022-01-05. Review status: criteria provided, single submitter. Criteria: Invitae Variant Classification Sherloc (09022015). Collection method: clinical testing. Allele origin: germline.
Comment: For these reasons, this variant has been classified as Pathogenic. This variant disrupts a region of the HPS3 protein in which other variant(s) (p.Arg397Trp) have been determined to be pathogenic (PMID: 11590544, 27593200). This suggests that this is a clinically significant region of the protein, and that variants that disrupt it are likely to be disease-causing. This variant has not been reported in the literature in individuals affected with HPS3-related conditions. This variant is a gross deletion of the genomic region encompassing exon(s) 6-7 of the HPS3 gene. This variant would be expected to be in-frame, preserving the integrity of the reading frame.

Literature cited by the submitters: PubMed 11590544; PubMed 27593200.